The following is an entry in ClinVar:

ClinVar aggregate classification (germline): Benign/Likely benign. Review status: criteria provided, multiple submitters, no conflicts (2 of 4 stars). 7 submissions from 7 submitters: Benign (4); Likely benign (1). 2 of the submissions do not count toward it. Last evaluated 2026-01-27.

Allele frequency attached by ClinVar (database versions not stated): ExAC 0.00772; ESP Exome Variant Server 0.01975; TOPMed 0.02005; 1000 Genomes Project 0.02296; 1000 Genomes Project 30x 0.02545.
gnomAD v4.1: 5,489 of 1,550,092 alleles (0.35%); highest among the groups gnomAD compares: African/African-American, 6.5%; 143 homozygotes.

Submissions (7):

Labcorp Genetics (formerly Invitae), Labcorp
Classification: Benign. Last evaluated: 2026-01-27. Review status: criteria provided, single submitter. Criteria: Invitae Variant Classification Sherloc (09022015). Collection method: clinical testing. Allele origin: germline.

ARUP Laboratories, Molecular Genetics and Genomics, ARUP Laboratories
Classification: Benign. Last evaluated: 2025-03-24. Review status: criteria provided, single submitter. Criteria: ARUP Molecular Germline Variant Investigation Process 2024. Collection method: clinical testing. Allele origin: germline.

Mayo Clinic Laboratories, Mayo Clinic
Classification: Likely benign. Last evaluated: 2025-02-19. Review status: criteria provided, single submitter. Criteria: ACMG Guidelines, 2015. Collection method: clinical testing. Allele origin: germline. Observed: 80 variant alleles.
Comment: BS1, BS2

GeneDx
Classification: Benign. Last evaluated: 2018-10-21. Review status: criteria provided, single submitter. Criteria: GeneDx Variant Classification Process June 2021. Collection method: clinical testing. Allele origin: germline. Affected: yes.

Breakthrough Genomics
Classification: Benign. Review status: criteria provided, single submitter. Criteria: ACMG Guidelines, 2015. Collection method: not provided. Allele origin: germline. Inheritance: Autosomal recessive inheritance. Affected: yes.

Clinical Genetics, Academic Medical Center
Classification: Benign. Review status: no assertion criteria provided. Collection method: clinical testing. Allele origin: germline. Affected: yes. Study: VKGL Data-share Consensus. Not counted in ClinVar's aggregate classification.

Laboratory of Diagnostic Genome Analysis, Leiden University Medical Center (LUMC)
Classification: Benign. Review status: no assertion criteria provided. Collection method: clinical testing. Allele origin: germline. Affected: yes. Study: VKGL Data-share Consensus. Not counted in ClinVar's aggregate classification.

NM_001142864.4(PIEZO1):c.5121G>C (p.Ser1707=)

Gene: PIEZO1 (piezo type mechanosensitive ion channel component 1 (Er blood group); minus strand). Cytogenetic location: 16q24.3.
Variant type: single nucleotide variant.
Coding change: c.5121G>C on transcript NM_001142864.4 (MANE Select); coding-DNA position 5121, G replaced by C.
Protein change: p.Ser1707=; no amino-acid change (serine 1707 retained).
Molecular consequence: synonymous variant.
Genome position (GRCh38, 1-based): chr16:88,721,901, C>G on the plus strand (G>C on the coding strand, the complement: PIEZO1 is on the minus strand). VCF-style: chr16-88721901-C-G. GRCh37 (hg19) VCF-style: chr16-88788309-C-G.
Other names: p.Ser1707=; c.5121G>C, p.Ser1707= (LRG_1137t1).
Identifiers: ClinVar variation 618783 (VCV000618783.30), dbSNP rs34346312, ClinGen allele CA8231956.